The following is an entry in ClinVar:

NM_000051.4(ATM):c.2345T>C (p.Leu782Pro)

Gene: ATM (ATM serine/threonine kinase; plus strand). Cytogenetic location: 11q22.3.
Variant type: single nucleotide variant.
Coding change: c.2345T>C on transcript NM_000051.4 (MANE Select); coding-DNA position 2345, T replaced by C.
Protein change: p.Leu782Pro; replaces leucine 782 with proline.
Molecular consequence: missense variant.
Genome position (GRCh38, 1-based): chr11:108,257,575, T>C. VCF-style: chr11-108257575-T-C. GRCh37 (hg19) VCF-style: chr11-108128302-T-C.
Other names: c.2345T>C, p.Leu782Pro (NM_001351834.2); c.2345T>C (NM_000051.3); short protein forms L782P.
Identifiers: ClinVar variation 1051097 (VCV001051097.11), dbSNP rs2135407647, ClinGen allele CA382540202.

ClinVar aggregate classification (germline): Uncertain significance. Review status: criteria provided, multiple submitters, no conflicts (2 of 4 stars). 2 submissions from 2 submitters: Uncertain significance (2). Last evaluated 2025-05-30.

Conditions:
Ataxia-telangiectasia syndrome (AT). Also called: ATAXIA-TELANGIECTASIA, FRESNO VARIANT; Ataxia-telangiectasia, complementation group E; ATAXIA-TELANGIECTASIA, COMPLEMENTATION GROUP A; LOUIS-BAR SYNDROME; Ataxia-telangiectasia, complementation group D; AT, COMPLEMENTATION GROUP C. Identifiers: Orphanet 100, MedGen C0004135, MONDO:0008840, OMIM 208900.
Hereditary cancer-predisposing syndrome. Also called: Hereditary Cancer Syndrome; Tumor predisposition; Hereditary neoplastic syndrome; Neoplastic Syndromes, Hereditary. Identifiers: Orphanet 140162, MedGen C0027672, MeSH D009386, MONDO:0015356.

Submissions (2):

Labcorp Genetics (formerly Invitae), Labcorp
Classification: Uncertain significance for Ataxia-telangiectasia syndrome. Last evaluated: 2025-05-30. Review status: criteria provided, single submitter. Criteria: Invitae Variant Classification Sherloc (09022015). Collection method: clinical testing. Allele origin: germline.
Comment: This sequence change replaces leucine, which is neutral and non-polar, with proline, which is neutral and non-polar, at codon 782 of the ATM protein (p.Leu782Pro). This variant is not present in population databases (gnomAD no frequency). This variant has not been reported in the literature in individuals affected with ATM-related conditions. ClinVar contains an entry for this variant (Variation ID: 1051097). Invitae Evidence Modeling of protein sequence and biophysical properties (such as structural, functional, and spatial information, amino acid conservation, physicochemical variation, residue mobility, and thermodynamic stability) indicates that this missense variant is not expected to disrupt ATM protein function with a negative predictive value of 95%. In summary, the available evidence is currently insufficient to determine the role of this variant in disease. Therefore, it has been classified as a Variant of Uncertain Significance.

Ambry Genetics
Classification: Uncertain significance for Hereditary cancer-predisposing syndrome. Last evaluated: 2024-11-25. Review status: criteria provided, single submitter. Criteria: Ambry Variant Classification Scheme 2023. Collection method: clinical testing. Allele origin: germline.
Comment: The p.L782P variant (also known as c.2345T>C), located in coding exon 14 of the ATM gene, results from a T to C substitution at nucleotide position 2345. The leucine at codon 782 is replaced by proline, an amino acid with similar properties. This amino acid position is well conserved in available vertebrate species. In addition, the in silico prediction for this alteration is inconclusive. Based on the available evidence, the clinical significance of this variant remains unclear.